The following is an entry in ClinVar:

NM_001165963.4(SCN1A):c.5117A>G (p.Asn1706Ser)

Genes: SCN1A (sodium voltage-gated channel alpha subunit 1; minus strand), LOC102724058 (uncharacterized LOC102724058; plus strand). Cytogenetic location: 2q24.3.
Variant type: single nucleotide variant.
Coding change: c.5117A>G on transcript NM_001165963.4 (MANE Select); coding-DNA position 5117, A replaced by G.
Protein change: p.Asn1706Ser; replaces asparagine 1706 with serine.
Molecular consequence: missense variant. On other transcripts: non-coding transcript variant (1).
Genome position (GRCh38, 1-based): chr2:165,992,158, T>C on the plus strand (A>G on the coding strand, the complement: SCN1A is on the minus strand). VCF-style: chr2-165992158-T-C. GRCh37 (hg19) VCF-style: chr2-166848668-T-C.
Other names: c.2675A>G, p.Asn892Ser (NM_001353961.2); c.5084A>G, p.Asn1695Ser (NM_006920.6, NM_001353949.2, NM_001353950.2 and 2 more transcripts); c.5033A>G, p.Asn1678Ser (NM_001165964.3, NM_001353957.2, NM_001353958.2); c.5117A>G, p.Asn1706Ser (NM_001202435.3, NM_001353948.2); c.5081A>G, p.Asn1694Ser (NM_001353954.2, NM_001353955.2); c.5030A>G, p.Asn1677Ser (NM_001353960.2); short protein forms N1694S, N892S, N1695S, N1677S, N1678S, N1706S.
Identifiers: ClinVar variation 805384 (VCV000805384.3), dbSNP rs1553520340, ClinGen allele CA349069115.

ClinVar aggregate classification (germline): Conflicting classifications of pathogenicity. Review status: criteria provided, conflicting classifications (1 of 4 stars). 2 submissions from 2 submitters: Likely pathogenic (1); Uncertain significance (1). Last evaluated 2026-06-10.

Conditions:
Generalized epilepsy with febrile seizures plus, type 1 (GEFSP1). Also called: GEFS+, TYPE 1. Identifiers: Orphanet 36387, MedGen C1858672, MONDO:0011416, OMIM 604233.

Submissions (2):

Institute of Human Genetics, University of Leipzig Medical Center
Classification: Likely pathogenic for Generalized epilepsy with febrile seizures plus, type 1. Last evaluated: 2026-06-10. Review status: criteria provided, single submitter. Criteria: ACMG Guidelines, 2015. Collection method: clinical testing. Allele origin: de novo. Inheritance: Autosomal dominant inheritance. Affected: yes.
Comment: Criteria applied: PS2_MOD,PM2_SUP,PP3_MOD, PS4_SUP

Athena Diagnostics
Classification: Uncertain significance. Last evaluated: 2019-04-09. Review status: criteria provided, single submitter. Criteria: Athena Diagnostics Criteria. Collection method: clinical testing. Allele origin: germline.